The following is an entry in ClinVar:

NM_139076.3(ABRAXAS1):c.1211C>T (p.Ser404Leu)

Gene: ABRAXAS1 (abraxas 1, BRCA1 A complex subunit; minus strand). Cytogenetic location: 4q21.23.
Variant type: single nucleotide variant.
Coding change: c.1211C>T on transcript NM_139076.3 (MANE Select); coding-DNA position 1211, C replaced by T.
Protein change: p.Ser404Leu; replaces serine 404 with leucine.
Molecular consequence: missense variant.
Genome position (GRCh38, 1-based): chr4:83,462,488, G>A on the plus strand (C>T on the coding strand, the complement: ABRAXAS1 is on the minus strand). VCF-style: chr4-83462488-G-A. GRCh37 (hg19) VCF-style: chr4-84383641-G-A.
Other names: c.884C>T, p.Ser295Leu (NM_001345962.2); short protein forms S404L, S295L.
Identifiers: ClinVar variation 1436184 (VCV001436184.9), dbSNP rs2110032712, ClinGen allele CA357254875.

ClinVar aggregate classification (germline): Uncertain significance. Review status: criteria provided, multiple submitters, no conflicts (2 of 4 stars). 2 submissions from 2 submitters: Uncertain significance (2). Last evaluated 2024-10-13.

Allele frequency attached by ClinVar (database versions not stated): gnomAD exomes below 0.00001.
gnomAD v4.1: 4 of 1,612,886 alleles (0.00025%); highest among the groups gnomAD compares: Non-Finnish European, 0.00034%; no homozygotes.

Submissions (2):

Ambry Genetics
Classification: Uncertain significance. Last evaluated: 2024-10-13. Review status: criteria provided, single submitter. Criteria: Ambry Variant Classification Scheme 2023. Collection method: clinical testing. Allele origin: germline.
Comment: The p.S404L variant (also known as c.1211C>T), located in coding exon 9 of the FAM175A gene, results from a C to T substitution at nucleotide position 1211. The serine at codon 404 is replaced by leucine, an amino acid with dissimilar properties. This amino acid position is conserved. In addition, this alteration is predicted to be tolerated by in silico analysis. Since supporting evidence is limited at this time, the clinical significance of this alteration remains unclear.

Labcorp Genetics (formerly Invitae), Labcorp
Classification: Uncertain significance. Last evaluated: 2021-09-21. Review status: criteria provided, single submitter. Criteria: Invitae Variant Classification Sherloc (09022015). Collection method: clinical testing. Allele origin: germline.
Comment: This sequence change replaces serine with leucine at codon 404 of the ABRAXAS1 protein (p.Ser404Leu). The serine residue is moderately conserved and there is a large physicochemical difference between serine and leucine. This variant is not present in population databases (ExAC no frequency). This variant has not been reported in the literature in individuals affected with ABRAXAS1-related conditions. Algorithms developed to predict the effect of missense changes on protein structure and function (SIFT, PolyPhen-2, Align-GVGD) all suggest that this variant is likely to be tolerated. In summary, the available evidence is currently insufficient to determine the role of this variant in disease. Therefore, it has been classified as a Variant of Uncertain Significance.